The following is an entry in ClinVar:

ClinVar aggregate classification (germline): Uncertain significance. Review status: criteria provided, multiple submitters, no conflicts (2 of 4 stars). 4 submissions from 4 submitters: Uncertain significance (3). 1 of the submissions does not count toward it. Last evaluated 2023-02-05.

Conditions:
Walker-Warburg congenital muscular dystrophy. Also called: Muscular dystrophy-dystroglycanopathy, type A; Walker-Warburg syndrome. Identifiers: Orphanet 899, MedGen C0265221, MONDO:0000171.
Muscular dystrophy-dystroglycanopathy (congenital with brain and eye anomalies), type A1 (MDDGA1). Also called: WALKER-WARBURG SYNDROME OR MUSCLE-EYE-BRAIN DISEASE, POMT1-RELATED; Hydrocephalus, agyria and retinal dysplasia; Hard +/- E syndrome; Warburg syndrome; Chemke syndrome; Pagon syndrome. Identifiers: Orphanet 588, Orphanet 899, MedGen C4284790, MONDO:0009364, OMIM 236670.
Muscular dystrophy-dystroglycanopathy (congenital with brain and eye anomalies), type A, 4 (MDDGA4). Also called: Congenital muscular dystrophy-dystroglycanopathy with brain and eye anomalies, type A4; Walker-Warburg Syndrome, Fktn-Related; Muscular dystrophy, congenital progressive, with mental retardation; Muscular dystrophy, congenital, with central nervous system involvement; Cerebromuscular dystrophy, Fukuyama type; Fukuyama congenital muscular dystrophy. Identifiers: Orphanet 272, Orphanet 588, Orphanet 899, MedGen C0410174, MONDO:0009678, OMIM 253800.
Dilated cardiomyopathy 1X (CMD1X). Also called: FKTN-Related Dilated Cardiomyopathy; CARDIOMYOPATHY, DILATED, WITH MILD OR NO PROXIMAL MUSCLE WEAKNESS. Identifiers: Orphanet 154, MedGen C1969024, MONDO:0012704, OMIM 611615.
Muscular dystrophy-dystroglycanopathy (congenital without impaired intellectual development), type B, 4. Also called: Muscular dystrophy-dystroglycanopathy (congenital without intellectual disability), type B4; MUSCULAR DYSTROPHY, CONGENITAL, FKTN-RELATED. Identifiers: MedGen C2751052, MONDO:0013156, OMIM 613152.
Autosomal recessive limb-girdle muscular dystrophy type 2M. Also called: MUSCULAR DYSTROPHY, LIMB-GIRDLE, TYPE 2M; MUSCULAR DYSTROPHY-DYSTROGLYCANOPATHY (LIMB-GIRDLE), TYPE C, 4. Identifiers: Orphanet 206554, MedGen C1969040, MONDO:0012699, OMIM 611588.
Cardiovascular phenotype. Identifiers: MedGen CN230736.

Allele frequency attached by ClinVar (database versions not stated): gnomAD 0.00001.

Submissions (4):

Ambry Genetics
Classification: Uncertain significance for Cardiovascular phenotype. Last evaluated: 2023-02-05. Review status: criteria provided, single submitter. Criteria: Ambry Variant Classification Scheme 2023. Collection method: clinical testing. Allele origin: germline.
Comment: The p.R3G variant (also known as c.7A>G), located in coding exon 1 of the FKTN gene, results from an A to G substitution at nucleotide position 7. The arginine at codon 3 is replaced by glycine, an amino acid with dissimilar properties. This amino acid position is conserved. In addition, the in silico prediction for this alteration is inconclusive. Since supporting evidence is limited at this time, the clinical significance of this alteration remains unclear.

Labcorp Genetics (formerly Invitae), Labcorp
Classification: Uncertain significance for Walker-Warburg congenital muscular dystrophy. Last evaluated: 2022-08-09. Review status: criteria provided, single submitter. Criteria: Invitae Variant Classification Sherloc (09022015). Collection method: clinical testing. Allele origin: germline.
Comment: This sequence change replaces arginine, which is basic and polar, with glycine, which is neutral and non-polar, at codon 3 of the FKTN protein (p.Arg3Gly). This variant is not present in population databases (gnomAD no frequency). This variant has not been reported in the literature in individuals affected with FKTN-related conditions. ClinVar contains an entry for this variant (Variation ID: 407111). Algorithms developed to predict the effect of missense changes on protein structure and function are either unavailable or do not agree on the potential impact of this missense change (SIFT: "Deleterious"; PolyPhen-2: "Benign"; Align-GVGD: "Class C45"). In summary, the available evidence is currently insufficient to determine the role of this variant in disease. Therefore, it has been classified as a Variant of Uncertain Significance.

Fulgent Genetics
Classification: Uncertain significance for Muscular dystrophy-dystroglycanopathy (congenital with brain and eye anomalies), type A1; Muscular dystrophy-dystroglycanopathy (congenital with brain and eye anomalies), type A, 4; Autosomal recessive limb-girdle muscular dystrophy type 2M; Dilated cardiomyopathy 1X; Muscular dystrophy-dystroglycanopathy (congenital without impaired intellectual development), type B, 4. Last evaluated: 2021-10-21. Review status: criteria provided, single submitter. Criteria: ACMG Guidelines, 2015. Collection method: clinical testing. Allele origin: unknown.

Natera, Inc.
Classification: Uncertain significance for Walker-Warburg congenital muscular dystrophy. Last evaluated: 2020-08-06. Review status: no assertion criteria provided. Collection method: clinical testing. Allele origin: germline. Not counted in ClinVar's aggregate classification.

NM_001079802.2(FKTN):c.7A>G (p.Arg3Gly)

Gene: FKTN (fukutin; plus strand). Cytogenetic location: 9q31.2.
Variant type: single nucleotide variant.
Coding change: c.7A>G on transcript NM_001079802.2 (MANE Select); coding-DNA position 7, A replaced by G.
Protein change: p.Arg3Gly; replaces arginine 3 with glycine.
Molecular consequence: missense variant. On other transcripts: 5 prime UTR variant (5), non-coding transcript variant (2).
Genome position (GRCh38, 1-based): chr9:105,575,039, A>G. VCF-style: chr9-105575039-A-G. GRCh37 (hg19) VCF-style: chr9-108337320-A-G.
Other names: c.7A>G, p.Arg3Gly (NM_001198963.2, NM_001351496.2, NM_001351498.2 and 1 more transcripts); c.-161A>G (NM_001351497.2); c.-508A>G (NM_001351499.2, NM_001351500.2, NM_001351501.2 and 1 more transcripts); short protein forms R3G.
Identifiers: ClinVar variation 407111 (VCV000407111.10), dbSNP rs1037406947, ClinGen allele CA16612399.